The following is an entry in ClinVar:

NM_006269.2(RP1):c.3150dup (p.Leu1051fs)

Gene: RP1 (RP1 axonemal microtubule associated; plus strand). Cytogenetic location: 8q12.1.
Variant type: Duplication.
Coding change: c.3150dup on transcript NM_006269.2 (MANE Select); coding-DNA position 3150, one base duplicated (A; older notation c.3150dupA).
Protein change: p.Leu1051fs; shifts the reading frame from leucine 1051.
Molecular consequence: frameshift variant. On other transcripts: intron variant (1).
Genome position (GRCh38, 1-based): chr8:54,627,032, A duplicated; the last of 6 consecutive A bases (chr8:54,627,027-54,627,032); duplicating any one gives the same sequence. VCF-style (leftmost placement, unchanged base first): chr8-54627026-G-GA. GRCh37 (hg19) VCF-style: chr8-55539586-G-GA.
Other names: c.787+4744dup (NM_001375654.1); short protein forms L1051fs.
Identifiers: ClinVar variation 867149 (VCV000867149.3), dbSNP rs1806079331, ClinGen allele CA916082992.

ClinVar aggregate classification (germline): Likely pathogenic. Review status: criteria provided, multiple submitters, no conflicts (2 of 4 stars). 2 submissions from 2 submitters: Likely pathogenic (2). Last evaluated 2023-07-14.

Conditions:
RP1-related disorder. Also called: RP1-related condition.
Retinitis pigmentosa 1 (RP1). Identifiers: Orphanet 791, MedGen C0220701, MONDO:0008377, OMIM 180100.

Submissions (2):

3billion
Classification: Likely pathogenic for Retinitis pigmentosa 1. Last evaluated: 2023-07-14. Review status: criteria provided, single submitter. Criteria: ACMG Guidelines, 2015. Collection method: clinical testing. Allele origin: germline. Affected: yes.
Comment: The variant is not observed in the gnomAD v2.1.1 dataset. Predicted Consequence/Location: Frameshift: predicted to result in a loss or disruption of normal protein function through protein truncation. The predicted truncated protein may be shortened by more than 10%. The variant has been reported to be associated with RP1 related disorder (ClinVar ID: VCV000867149). Therefore, this variant is classified as Likely pathogenic according to the recommendation of ACMG/AMP guideline.

Blueprint Genetics
Classification: Likely pathogenic for RP1-related disorders. Last evaluated: 2019-05-09. Review status: criteria provided, single submitter. Criteria: ACMG Guidelines, 2015. Collection method: clinical testing. Allele origin: germline. Affected: yes. Observed: 1 variant allele.